The following is an entry in ClinVar:

ClinVar aggregate classification (germline): Uncertain significance (1 of 4 stars; one submission).

gnomAD v4.1: 1 of 1,614,104 alleles (0.000062%); highest among the groups gnomAD compares: Non-Finnish European, 0.000085%; no homozygotes.

Submission:

Labcorp Genetics (formerly Invitae), Labcorp
Classification: Uncertain significance. Last evaluated: 2022-07-19. Review status: criteria provided, single submitter. Criteria: Invitae Variant Classification Sherloc (09022015). Collection method: clinical testing. Allele origin: germline.
Comment: Algorithms developed to predict the effect of missense changes on protein structure and function (SIFT, PolyPhen-2, Align-GVGD) all suggest that this variant is likely to be tolerated. In summary, the available evidence is currently insufficient to determine the role of this variant in disease. Therefore, it has been classified as a Variant of Uncertain Significance. This sequence change replaces proline, which is neutral and non-polar, with serine, which is neutral and polar, at codon 30 of the ERCC3 protein (p.Pro30Ser). This variant is not present in population databases (gnomAD no frequency). This variant has not been reported in the literature in individuals affected with ERCC3-related conditions.

NM_000122.2(ERCC3):c.88C>T (p.Pro30Ser)

Gene: ERCC3 (ERCC excision repair 3, TFIIH core complex helicase subunit; minus strand). Cytogenetic location: 2q14.3.
Variant type: single nucleotide variant.
Coding change: c.88C>T on transcript NM_000122.2 (MANE Select); coding-DNA position 88, C replaced by T.
Protein change: p.Pro30Ser; replaces proline 30 with serine.
Molecular consequence: missense variant. On other transcripts: 5 prime UTR variant (2).
Genome position (GRCh38, 1-based): chr2:127,293,659, G>A on the plus strand (C>T on the coding strand, the complement: ERCC3 is on the minus strand). VCF-style: chr2-127293659-G-A. GRCh37 (hg19) VCF-style: chr2-128051235-G-A.
Other names: c.-105C>T (NM_001303416.2, NM_001303418.2); short protein forms P30S.
Identifiers: ClinVar variation 2083857 (VCV002083857.4), dbSNP rs751320999, ClinGen allele CA348392294.